The following is an entry in ClinVar:

NC_000008.10:g.(?_1772091)_(1906808_?)dup

Gene: ARHGEF10 (Rho guanine nucleotide exchange factor 10; plus strand). Cytogenetic location: 8p23.3.
Variant type: Duplication.
Identifiers: ClinVar variation 3769013 (VCV003769013.1).

ClinVar aggregate classification (germline): Uncertain significance (1 of 4 stars; one submission).

Submission:

Women's Health and Genetics/Laboratory Corporation of America, LabCorp
Classification: Uncertain significance. Last evaluated: 2025-02-17. Review status: criteria provided, single submitter. Criteria: LabCorp Variant Classification Summary - May 2015. Collection method: clinical testing. Allele origin: germline.
Comment: Variant summary: The variant involves the duplication of exons 1-29 in the ARHGEF10 gene. A presumed nomenclature of c.(?_-236)_(*1379_?)dup has been designated for the purposes of this classification. This duplication includes the entire coding sequence of the gene. As exact breakpoints are unknown, it may extend beyond the annotated region of the gene, to include other flanking genes. The variant allele was found at a frequency of 4.7e-05 in 21400 control chromosomes. The available data on variant occurrences in the general population are insufficient to allow any conclusion about variant significance. To our knowledge, no occurrence of c.(?_-236)_(*1379_?)dup in individuals affected with Autosomal dominant slowed nerve conduction velocity and no experimental evidence demonstrating its impact on protein function have been reported. ClinVar contains an entry for this variant (Variation ID: 3245582). Based on the evidence outlined above, the variant was classified as uncertain significance.